The following is an entry in ClinVar:

ClinVar aggregate classification (germline): Uncertain significance (1 of 4 stars; one submission).

Conditions:
Glycogen storage disease due to muscle and heart glycogen synthase deficiency. Also called: GSD 0b; MUSCLE GLYCOGEN SYNTHASE DEFICIENCY. Identifiers: Orphanet 137625, MedGen C1969054, MONDO:0012693, OMIM 611556.

Allele frequency attached by ClinVar (database versions not stated): gnomAD exomes 0.00002.
gnomAD v4.1: 23 of 1,540,116 alleles (0.0015%); highest among the groups gnomAD compares: Non-Finnish European, 0.002%; no homozygotes.

Submission:

Labcorp Genetics (formerly Invitae), Labcorp
Classification: Uncertain significance for Glycogen storage disease due to muscle and heart glycogen synthase deficiency. Last evaluated: 2022-08-20. Review status: criteria provided, single submitter. Criteria: Invitae Variant Classification Sherloc (09022015). Collection method: clinical testing. Allele origin: germline.
Comment: This sequence change creates a premature translational stop signal (p.Arg650*) in the GYS1 gene. While this is not anticipated to result in nonsense mediated decay, it is expected to disrupt the last 88 amino acid(s) of the GYS1 protein. This variant is not present in population databases (gnomAD no frequency). This variant has not been reported in the literature in individuals affected with GYS1-related conditions. Experimental studies and prediction algorithms are not available or were not evaluated, and the functional significance of this variant is currently unknown. Algorithms developed to predict the effect of sequence changes on RNA splicing suggest that this variant may create or strengthen a splice site. In summary, the available evidence is currently insufficient to determine the role of this variant in disease. Therefore, it has been classified as a Variant of Uncertain Significance.

NM_002103.5(GYS1):c.1948C>T (p.Arg650Ter)

Gene: GYS1 (glycogen synthase 1; minus strand). Cytogenetic location: 19q13.33.
Variant type: single nucleotide variant.
Coding change: c.1948C>T on transcript NM_002103.5 (MANE Select); coding-DNA position 1948, C replaced by T.
Protein change: p.Arg650Ter; replaces arginine 650 with a stop codon.
Molecular consequence: nonsense. On other transcripts: non-coding transcript variant (1).
Genome position (GRCh38, 1-based): chr19:48,969,554, G>A on the plus strand (C>T on the coding strand, the complement: GYS1 is on the minus strand). VCF-style: chr19-48969554-G-A. GRCh37 (hg19) VCF-style: chr19-49472811-G-A.
Other names: c.1756C>T, p.Arg586Ter (NM_001161587.2); short protein forms R650*, R586*.
Identifiers: ClinVar variation 2149995 (VCV002149995.1), dbSNP rs924664321, ClinGen allele CA406759548.